The following is an entry in ClinVar:

NM_000143.4(FH):c.39C>T (p.Pro13=)

Gene: FH (fumarate hydratase; minus strand). Cytogenetic location: 1q43.
Variant type: single nucleotide variant.
Coding change: c.39C>T on transcript NM_000143.4 (MANE Select); coding-DNA position 39, C replaced by T.
Protein change: p.Pro13=; no amino-acid change (proline 13 retained).
Molecular consequence: synonymous variant.
Genome position (GRCh38, 1-based): chr1:241,519,684, G>A on the plus strand (C>T on the coding strand, the complement: FH is on the minus strand). VCF-style: chr1-241519684-G-A. GRCh37 (hg19) VCF-style: chr1-241682984-G-A.
Identifiers: ClinVar variation 413605 (VCV000413605.12), dbSNP rs1060504077, ClinGen allele CA16610048.

ClinVar aggregate classification (germline): Benign/Likely benign. Review status: criteria provided, multiple submitters, no conflicts (2 of 4 stars). 3 submissions from 3 submitters: Benign (1); Likely benign (2). Last evaluated 2024-10-17.

Conditions:
Hereditary cancer-predisposing syndrome. Also called: Neoplastic Syndromes, Hereditary; Hereditary Cancer Syndrome; Hereditary neoplastic syndrome; Tumor predisposition. Identifiers: Orphanet 140162, MedGen C0027672, MeSH D009386, MONDO:0015356.
Hereditary leiomyomatosis and renal cell cancer. Also called: MULTIPLE CUTANEOUS AND UTERINE LEIOMYOMATA 1, WITH OR WITHOUT RENAL CELL CARCINOMA; Familial leiomyomatosis; LEIOMYOMA, MULTIPLE CUTANEOUS; FH tumor predisposition syndrome; Multiple cutaneous leiomyomas; Reed syndrome. Identifiers: Orphanet 523, MedGen C1708350, MONDO:0007888, OMIM 150800, HP:0007437. Disease mechanism: loss of function.

Allele frequency attached by ClinVar (database versions not stated): gnomAD exomes below 0.00001 and 0.00001; gnomAD 0.00001.
gnomAD v4.1: 4 of 1,547,112 alleles (0.00026%); highest among the groups gnomAD compares: Admixed American, 0.002%; no homozygotes.

Submissions (3):

Myriad Genetics, Inc.
Classification: Benign for Hereditary leiomyomatosis and renal cell cancer. Last evaluated: 2024-10-17. Review status: criteria provided, single submitter. Criteria: Myriad Autosomal Dominant, Autosomal Recessive and X-Linked Classification Criteria (2023). Collection method: clinical testing. Allele origin: unknown.
Comment: This variant is considered benign. This variant is a silent/synonymous amino acid change and it is not expected to impact splicing.

Ambry Genetics
Classification: Likely benign for Hereditary cancer-predisposing syndrome. Last evaluated: 2023-11-10. Review status: criteria provided, single submitter. Criteria: Ambry Variant Classification Scheme 2023. Collection method: clinical testing. Allele origin: germline.

Labcorp Genetics (formerly Invitae), Labcorp
Classification: Likely benign. Last evaluated: 2023-11-08. Review status: criteria provided, single submitter. Criteria: Invitae Variant Classification Sherloc (09022015). Collection method: clinical testing. Allele origin: germline.